The following is an entry in ClinVar:

ClinVar aggregate classification (germline): Uncertain significance (1 of 4 stars; one submission).

Submission:

GeneDx
Classification: Uncertain significance. Last evaluated: 2024-09-16. Review status: criteria provided, single submitter. Criteria: GeneDx Variant Classification Process June 2021. Collection method: clinical testing. Allele origin: germline. Affected: yes.
Comment: Not observed at significant frequency in large population cohorts (gnomAD); In silico analysis indicates that this missense variant does not alter protein structure/function; Has not been previously published as pathogenic or benign to our knowledge

NM_030912.3(TRIM8):c.1415A>G (p.Asn472Ser)

Gene: TRIM8 (tripartite motif containing 8; plus strand). Cytogenetic location: 10q24.32.
Variant type: single nucleotide variant.
Coding change: c.1415A>G on transcript NM_030912.3 (MANE Select); coding-DNA position 1415, A replaced by G.
Protein change: p.Asn472Ser; replaces asparagine 472 with serine.
Molecular consequence: missense variant. On other transcripts: non-coding transcript variant (1).
Genome position (GRCh38, 1-based): chr10:102,657,113, A>G. VCF-style: chr10-102657113-A-G. GRCh37 (hg19) VCF-style: chr10-104416870-A-G.
Other names: c.1319A>G, p.Asn440Ser (NM_001345950.1); short protein forms N440S, N472S.
Identifiers: ClinVar variation 3769709 (VCV003769709.1).